The following is an entry in ClinVar:

ClinVar aggregate classification (germline): Benign/Likely benign. Review status: criteria provided, multiple submitters, no conflicts (2 of 4 stars). 3 submissions from 3 submitters: Benign (1); Likely benign (2). Last evaluated 2026-07-16.

Conditions:
Rhabdoid tumor predisposition syndrome 2 (RTPS2). Identifiers: Orphanet 231108, Orphanet 69077, MedGen C2750074, MONDO:0013224, OMIM 613325.
Hereditary cancer-predisposing syndrome. Also called: Hereditary neoplastic syndrome; Neoplastic Syndromes, Hereditary; Tumor predisposition; Hereditary Cancer Syndrome. Identifiers: Orphanet 140162, MedGen C0027672, MeSH D009386, MONDO:0015356.

Allele frequency attached by ClinVar (database versions not stated): gnomAD exomes below 0.00001; TOPMed 0.00001; 1000 Genomes Project 0.00020; ExAC 0.00001; gnomAD 0.00003 and 0.00002; 1000 Genomes Project 30x 0.00016.
gnomAD v4.1: 6 of 1,612,844 alleles (0.00037%); highest among the groups gnomAD compares: African/African-American, 0.0067%; no homozygotes.

Submissions (3):

Myriad Genetics, Inc.
Classification: Benign for Rhabdoid tumor predisposition syndrome 2. Last evaluated: 2026-07-16. Review status: criteria provided, single submitter. Criteria: Myriad Autosomal Dominant, Autosomal Recessive and X-Linked Classification Criteria (2023). Collection method: clinical testing. Allele origin: unknown.
Comment: This variant is considered benign. This variant is a silent/synonymous amino acid change and it is not expected to impact splicing.

Labcorp Genetics (formerly Invitae), Labcorp
Classification: Likely benign for Rhabdoid tumor predisposition syndrome 2. Last evaluated: 2026-01-28. Review status: criteria provided, single submitter. Criteria: Invitae Variant Classification Sherloc (09022015). Collection method: clinical testing. Allele origin: germline.

Ambry Genetics
Classification: Likely benign for Hereditary cancer-predisposing syndrome. Last evaluated: 2017-10-11. Review status: criteria provided, single submitter. Criteria: Ambry Variant Classification Scheme 2023. Collection method: clinical testing. Allele origin: germline.

NM_003072.5(SMARCA4):c.4147C>T (p.Leu1383=)

Gene: SMARCA4 (SWI/SNF related BAF chromatin remodeling complex subunit ATPase 4; plus strand). Cytogenetic location: 19p13.2.
Variant type: single nucleotide variant.
Coding change: c.4147C>T on transcript NM_003072.5 (MANE Select); coding-DNA position 4147, C replaced by T.
Protein change: p.Leu1383=; no amino-acid change (leucine 1383 retained).
Molecular consequence: synonymous variant. On other transcripts: non-coding transcript variant (1).
Genome position (GRCh38, 1-based): chr19:11,035,109, C>T. VCF-style: chr19-11035109-C-T. GRCh37 (hg19) VCF-style: chr19-11145785-C-T.
Other names: c.4147C>T, p.Leu1383= (NM_001128844.3, NM_001128849.3); c.4048C>T, p.Leu1350= (NM_001128845.2, NM_001128846.2, NM_001128847.4 and 2 more transcripts).
Identifiers: ClinVar variation 824626 (VCV000824626.14), dbSNP rs202144626, ClinGen allele CA9204594.
Genomic context (GRCh38, chr19:11,035,109, plus strand): 5'-GAGGAGAAGATGTTCGGCCGTGGCTCCCGCCACCGCAAGGAGGTGGACTACAGCGACTCA[C>T]TGACGGAGAAGCAGTGGCTCAAGGTACATGCTGGAGAGGCCCAGCAGCTGCCGCAGGCCA-3'
Protein context (NP_003063.2, residues 1373-1393): HRKEVDYSDS[Leu1383=]TEKQWLKAIE